The following is an entry in ClinVar:

NM_000321.3(RB1):c.1080T>A (p.Ser360Arg)

Gene: RB1 (RB transcriptional corepressor 1; plus strand). Cytogenetic location: 13q14.2.
Variant type: single nucleotide variant.
Coding change: c.1080T>A on transcript NM_000321.3 (MANE Select); coding-DNA position 1080, T replaced by A.
Protein change: p.Ser360Arg; replaces serine 360 with arginine.
Molecular consequence: missense variant.
Genome position (GRCh38, 1-based): chr13:48,368,557, T>A. VCF-style: chr13-48368557-T-A. GRCh37 (hg19) VCF-style: chr13-48942693-T-A.
Other names: c.1080T>A, p.Ser360Arg (NM_001407165.1, NM_001407166.1); short protein forms S360R.
Identifiers: ClinVar variation 3684693 (VCV003684693.3).

ClinVar aggregate classification (germline): Uncertain significance. Review status: criteria provided, multiple submitters, no conflicts (2 of 4 stars). 2 submissions from 2 submitters: Uncertain significance (2). Last evaluated 2025-05-31.

Conditions:
Hereditary cancer-predisposing syndrome. Also called: Tumor predisposition; Neoplastic Syndromes, Hereditary; Hereditary Cancer Syndrome; Hereditary neoplastic syndrome. Identifiers: Orphanet 140162, MedGen C0027672, MeSH D009386, MONDO:0015356.
Retinoblastoma (RB1). Also called: RETINOBLASTOMA, SOMATIC. Identifiers: Orphanet 790, MedGen C0035335, MeSH D012175, MONDO:0008380, OMIM 180200, HP:0009919. Disease mechanism: loss of function. Inheritance: Both sporadic and heritable forms are tested..

gnomAD v4.1: 1 of 1,613,476 alleles (0.000062%); highest among the groups gnomAD compares: Non-Finnish European, 0.000085%; no homozygotes.

Submissions (2):

Ambry Genetics
Classification: Uncertain significance for Hereditary cancer-predisposing syndrome. Last evaluated: 2025-05-31. Review status: criteria provided, single submitter. Criteria: Ambry Variant Classification Scheme 2023. Collection method: clinical testing. Allele origin: germline.
Comment: The p.S360R variant (also known as c.1080T>A), located in coding exon 11 of the RB1 gene, results from a T to A substitution at nucleotide position 1080. The serine at codon 360 is replaced by arginine, an amino acid with dissimilar properties. This amino acid position is conserved. In addition, this alteration is predicted to be tolerated by in silico analysis. Based on the available evidence, the clinical significance of this variant remains unclear.

Labcorp Genetics (formerly Invitae), Labcorp
Classification: Uncertain significance for Retinoblastoma. Last evaluated: 2024-08-12. Review status: criteria provided, single submitter. Criteria: Invitae Variant Classification Sherloc (09022015). Collection method: clinical testing. Allele origin: germline.
Comment: This sequence change replaces serine, which is neutral and polar, with arginine, which is basic and polar, at codon 360 of the RB1 protein (p.Ser360Arg). This variant is present in population databases (no rsID available, gnomAD 0.007%). This variant has not been reported in the literature in individuals affected with RB1-related conditions. Advanced modeling of protein sequence and biophysical properties (such as structural, functional, and spatial information, amino acid conservation, physicochemical variation, residue mobility, and thermodynamic stability) performed at Invitae indicates that this missense variant is not expected to disrupt RB1 protein function with a negative predictive value of 80%. In summary, the available evidence is currently insufficient to determine the role of this variant in disease. Therefore, it has been classified as a Variant of Uncertain Significance.